The following is an entry in ClinVar:

NM_022124.6(CDH23):c.39G>T (p.Trp13Cys)

Gene: CDH23 (cadherin related 23; plus strand). Cytogenetic location: 10q22.1.
Variant type: single nucleotide variant.
Coding change: c.39G>T on transcript NM_022124.6 (MANE Select); coding-DNA position 39, G replaced by T.
Protein change: p.Trp13Cys; replaces tryptophan 13 with cysteine.
Molecular consequence: missense variant.
Genome position (GRCh38, 1-based): chr10:71,439,870, G>T. VCF-style: chr10-71439870-G-T. GRCh37 (hg19) VCF-style: chr10-73199627-G-T.
Other names: c.39G>T, p.Trp13Cys (NM_001171930.2, NM_001171931.2, NM_001171932.2 and 1 more transcripts); short protein forms W13C.
Identifiers: ClinVar variation 968011 (VCV000968011.7), dbSNP rs1325941288, ClinGen allele CA377112578.

ClinVar aggregate classification (germline): Uncertain significance. Review status: criteria provided, multiple submitters, no conflicts (2 of 4 stars). 3 submissions from 3 submitters: Uncertain significance (2). 1 of the submissions does not count toward it. Last evaluated 2024-11-14.

Conditions:
Usher syndrome type 1 (USH1). Also called: RETINITIS PIGMENTOSA AND CONGENITAL DEAFNESS. Identifiers: Orphanet 231169, Orphanet 886, MedGen C1568247, MONDO:0010168, OMIM 276900.

Allele frequency attached by ClinVar (database versions not stated): gnomAD exomes 0.00001 and 0.00002; TOPMed below 0.00001.
gnomAD v4.1: 5 of 1,575,258 alleles (0.00032%); highest among the groups gnomAD compares: Admixed American, 0.0073%; no homozygotes.

Submissions (3):

GeneDx
Classification: Uncertain significance. Last evaluated: 2024-11-14. Review status: criteria provided, single submitter. Criteria: GeneDx Variant Classification Process June 2021. Collection method: clinical testing. Allele origin: germline. Affected: yes.
Comment: In silico analysis indicates that this missense variant does not alter protein structure/function; Has not been previously published as pathogenic or benign to our knowledge

Labcorp Genetics (formerly Invitae), Labcorp
Classification: Uncertain significance. Last evaluated: 2022-10-24. Review status: criteria provided, single submitter. Criteria: Invitae Variant Classification Sherloc (09022015). Collection method: clinical testing. Allele origin: germline.
Comment: This sequence change replaces tryptophan, which is neutral and slightly polar, with cysteine, which is neutral and slightly polar, at codon 13 of the CDH23 protein (p.Trp13Cys). The frequency data for this variant in the population databases is considered unreliable, as metrics indicate poor data quality at this position in the gnomAD database. This variant has not been reported in the literature in individuals affected with CDH23-related conditions. ClinVar contains an entry for this variant (Variation ID: 968011). Advanced modeling of protein sequence and biophysical properties (such as structural, functional, and spatial information, amino acid conservation, physicochemical variation, residue mobility, and thermodynamic stability) performed at Invitae indicates that this missense variant is not expected to disrupt CDH23 protein function. In summary, the available evidence is currently insufficient to determine the role of this variant in disease. Therefore, it has been classified as a Variant of Uncertain Significance.

Natera, Inc.
Classification: Uncertain significance for Usher syndrome type 1. Last evaluated: 2021-10-19. Review status: no assertion criteria provided. Collection method: clinical testing. Allele origin: germline. Not counted in ClinVar's aggregate classification.